The following is an entry in ClinVar:

ClinVar aggregate classification (germline): Uncertain significance. Review status: criteria provided, multiple submitters, no conflicts (2 of 4 stars). 2 submissions from 2 submitters: Uncertain significance (2). Last evaluated 2024-08-29.

Conditions:
Hereditary breast ovarian cancer syndrome. Also called: BRCA1- and BRCA2-Associated Hereditary Breast and Ovarian Cancer; Hereditary breast and ovarian cancer; Hereditary breast and ovarian cancer syndrome (HBOC); Hereditary breast and/or ovarian cancer syndrome; Hereditary breast and ovarian cancer syndrome; Breast and ovarian cancer. Identifiers: Orphanet 145, MedGen C0677776, MeSH D061325, MONDO:0003582. Disease mechanism: loss of function.
Hereditary cancer-predisposing syndrome. Also called: Neoplastic Syndromes, Hereditary; Tumor predisposition; Hereditary Cancer Syndrome; Hereditary neoplastic syndrome. Identifiers: Orphanet 140162, MedGen C0027672, MeSH D009386, MONDO:0015356.

Allele frequency attached by ClinVar (database versions not stated): gnomAD exomes below 0.00001.
gnomAD v4.1: 1 of 1,614,212 alleles (0.000062%); highest among the groups gnomAD compares: East Asian, 0.0022%; no homozygotes.

Submissions (2):

Ambry Genetics
Classification: Uncertain significance for Hereditary cancer-predisposing syndrome. Last evaluated: 2024-08-29. Review status: criteria provided, single submitter. Criteria: Ambry Variant Classification Scheme 2023. Collection method: clinical testing. Allele origin: germline.
Comment: The p.S1587L variant (also known as c.4760C>T), located in coding exon 14 of the BRCA1 gene, results from a C to T substitution at nucleotide position 4760. The serine at codon 1587 is replaced by leucine, an amino acid with dissimilar properties. This amino acid position is poorly conserved in available vertebrate species. In addition, the in silico prediction for this alteration is inconclusive. Based on the available evidence, the clinical significance of this variant remains unclear.

Labcorp Genetics (formerly Invitae), Labcorp
Classification: Uncertain significance for Hereditary breast ovarian cancer syndrome. Last evaluated: 2023-09-29. Review status: criteria provided, single submitter. Criteria: Invitae Variant Classification Sherloc (09022015). Collection method: clinical testing. Allele origin: germline.
Comment: This sequence change replaces serine, which is neutral and polar, with leucine, which is neutral and non-polar, at codon 1587 of the BRCA1 protein (p.Ser1587Leu). This variant is not present in population databases (gnomAD no frequency). This missense change has been observed in individual(s) with breast cancer (PMID: 30287823). Advanced modeling of protein sequence and biophysical properties (such as structural, functional, and spatial information, amino acid conservation, physicochemical variation, residue mobility, and thermodynamic stability) performed at Invitae indicates that this missense variant is not expected to disrupt BRCA1 protein function. In summary, the available evidence is currently insufficient to determine the role of this variant in disease. Therefore, it has been classified as a Variant of Uncertain Significance.

Literature cited by the submitters: PubMed 30287823 (cited by Labcorp Genetics (formerly Invitae), Labcorp).

NM_007294.4(BRCA1):c.4760C>T (p.Ser1587Leu)

Gene: BRCA1 (BRCA1 DNA repair associated; minus strand). Cytogenetic location: 17q21.31.
Variant type: single nucleotide variant.
Coding change: c.4760C>T on transcript NM_007294.4 (MANE Select); coding-DNA position 4760, C replaced by T.
Protein change: p.Ser1587Leu; replaces serine 1587 with leucine.
Molecular consequence: missense variant. On other transcripts: intron variant (1).
Genome position (GRCh38, 1-based): chr17:43,071,154, G>A on the plus strand (C>T on the coding strand, the complement: BRCA1 is on the minus strand). VCF-style: chr17-43071154-G-A. GRCh37 (hg19) VCF-style: chr17-41223171-G-A.
Other names: c.4634C>T, p.Ser1545Leu (NM_001407863.1, NM_001407670.1, NM_001407671.1 and 11 more transcripts); c.4553C>T, p.Ser1518Leu (NM_001407874.1, NM_001407875.1); c.4550C>T, p.Ser1517Leu (NM_001407881.1, NM_001407882.1, NM_001407879.1 and 5 more transcripts); c.4547C>T, p.Ser1516Leu (NM_001407894.1, NM_001407895.1, NM_001407896.1 and 12 more transcripts); c.4544C>T, p.Ser1515Leu (NM_001407915.1, NM_001407916.1, NM_001407917.1 and 1 more transcripts); c.4490C>T, p.Ser1497Leu (NM_001407934.1, NM_001407935.1, NM_001407936.1); c.4496C>T, p.Ser1499Leu (NM_001407920.1, NM_001407921.1, NM_001407922.1 and 4 more transcripts); c.4637C>T, p.Ser1546Leu (NM_001407919.1, NM_001407664.1, NM_001407665.1 and 6 more transcripts); and 71 more; short protein forms S1290L, S1498L, S1518L, S1538L, S1545L, S1559L, S1561L, S1607L.
Identifiers: ClinVar variation 2915509 (VCV002915509.4), dbSNP rs397509195, ClinGen allele CA10591987.